The following is an entry in ClinVar:

ClinVar aggregate classification (germline): Pathogenic/Likely pathogenic. Review status: criteria provided, multiple submitters, no conflicts (2 of 4 stars). 3 submissions from 3 submitters: Pathogenic (2); Likely pathogenic (1). Last evaluated 2025-09-22.

Conditions:
Paragangliomas with sensorineural hearing loss. Identifiers: MedGen C1868633.
Pheochromocytoma. Also called: MAX-Related Hereditary Paraganglioma-Pheochromocytoma Syndrome. Identifiers: Orphanet 29072, MedGen C0031511, MONDO:0008233, OMIM 171300, HP:0002666.
Cowden syndrome 3 (CWS3). Identifiers: Orphanet 201, MedGen CN166604, MONDO:0014045.
Carney-Stratakis syndrome. Also called: PARAGANGLIOMA AND GASTROINTESTINAL STROMAL TUMOR. Identifiers: Orphanet 97286, MedGen C1847319, MONDO:0011740, OMIM 606864.
Hereditary cancer-predisposing syndrome. Also called: Neoplastic Syndromes, Hereditary; Hereditary neoplastic syndrome; Tumor predisposition; Hereditary Cancer Syndrome. Identifiers: Orphanet 140162, MedGen C0027672, MeSH D009386, MONDO:0015356.
Hereditary pheochromocytoma and paraganglioma. Also called: Hereditary Paraganglioma-Pheochromocytoma Syndromes; Hereditary paragangliomas and pheochromocytomas; Hereditary pheochromocytoma-paraganglioma. Identifiers: Orphanet 29072, MedGen C4274332, MONDO:0017366.

Submissions (3):

Labcorp Genetics (formerly Invitae), Labcorp
Classification: Pathogenic for Carney-Stratakis syndrome; Paragangliomas with sensorineural hearing loss; Pheochromocytoma; Cowden syndrome 3. Last evaluated: 2025-09-22. Review status: criteria provided, single submitter. Criteria: Invitae Variant Classification Sherloc (09022015). Collection method: clinical testing. Allele origin: germline.
Comment: This sequence change is expected to alter the c-terminus of the SDHD protein (p.Ala130Glyfs*61). While this is not anticipated to result in nonsense mediated decay, it is expected to disrupt the last 30 amino acid(s) of the SDHD protein and extend the protein by 30 additional amino acid residues. This variant is not present in population databases (gnomAD no frequency). This variant has not been reported in the literature in individuals affected with SDHD-related conditions. ClinVar contains an entry for this variant (Variation ID: 428937). This variant disrupts a region of the SDHD protein in which other variant(s) (p.Leu139Pro) have been determined to be pathogenic (PMID: 12114404, 21348866, 25758995). This suggests that this is a clinically significant region of the protein, and that variants that disrupt it are likely to be disease-causing. For these reasons, this variant has been classified as Pathogenic.

Ambry Genetics
Classification: Pathogenic for Hereditary cancer-predisposing syndrome. Last evaluated: 2025-05-22. Review status: criteria provided, single submitter. Criteria: Ambry Variant Classification Scheme 2023. Collection method: clinical testing. Allele origin: germline.
Comment: The c.388dupG pathogenic mutation, located in coding exon 4 of the SDHD gene, results from a duplication of G at position 388, causing a translational frameshift with a predicted alternate stop codon (p.A130Gfs*61). This alteration occurs at the 3' terminus of theSDHD gene, is not expected to trigger nonsense-mediated mRNAdecay, and results in the elongation of the protein by 30 amino acids. This frameshift impacts the last 30amino acids of the native protein. However, frameshifts are typically deleterious in nature, the impacted region is critical for protein function, and a significant portion of the protein is affected (Ambry internal data). This variant was reported in individual(s) with features consistent with SDHD-related hereditary pheochromocytoma-paraganglioma (Ambry internal data). In addition, a close nucleotide change, c.386dupT, which results in the same stop codon, was reported in multiple probands with personal and family histories of paragangliomas (Lima J et al. J. Clin. Endocrinol. Metab. 2007 Dec;92(12):4853-64; Hermsen MA et al. Cell. Oncol. 2010 Jan;32(4):275-83). This variant is considered to be rare based on population cohorts in the Genome Aggregation Database (gnomAD). Based on the available evidence, this alteration is interpreted as a disease-causing mutation.

Color Diagnostics, LLC DBA Color Health
Classification: Likely pathogenic for Hereditary pheochromocytoma and paraganglioma. Last evaluated: 2025-05-13. Review status: criteria provided, single submitter. Criteria: ACMG Guidelines, 2015. Collection method: clinical testing. Allele origin: germline.
Comment: This variant inserts 1 nucleotide in exon 4/4 of the SDHD gene, creating a frameshift and premature translation stop signal. This variant is expected to result in an absent or non-functional protein product. This variant has been reported in individuals affected with paraganglioma in the literature (PMID: 25808178. 31194233). Other variants downstream of this variant have been determined to be disease causing (ClinVar SDHD). This variant has not been identified in the general population by the Genome Aggregation Database (gnomAD). Loss of SDHD function is a known mechanism of disease. Based on the available evidence, this variant is classified as Likely Pathogenic.

Literature cited by the submitters: PubMed 12114404 (cited by Labcorp Genetics (formerly Invitae), Labcorp); PubMed 21348866 (cited by Labcorp Genetics (formerly Invitae), Labcorp); PubMed 25758995 (cited by Labcorp Genetics (formerly Invitae), Labcorp); PubMed 17848412 (cited by Ambry Genetics); PubMed 20208144 (cited by Ambry Genetics); PubMed 31194233 (cited by Color Diagnostics, LLC DBA Color Health).

NM_003002.4(SDHD):c.388dup (p.Ala130fs)

Gene: SDHD (succinate dehydrogenase complex subunit D; plus strand). Cytogenetic location: 11q23.1.
Variant type: Duplication.
Coding change: c.388dup on transcript NM_003002.4 (MANE Select); coding-DNA position 388, one base duplicated (G; older notation c.388dupG).
Protein change: p.Ala130fs; shifts the reading frame from alanine 130.
Molecular consequence: frameshift variant. On other transcripts: 3 prime UTR variant (1), non-coding transcript variant (1).
Genome position (GRCh38, 1-based): chr11:112,094,878, G duplicated; the last of 2 consecutive G bases (chr11:112,094,877-112,094,878); duplicating either gives the same sequence. VCF-style (leftmost placement, unchanged base first): chr11-112094876-T-TG. GRCh37 (hg19) VCF-style: chr11-111965600-T-TG.
Other names: c.243dup, p.His82fs (NM_001276503.2); c.271dup, p.Ala91fs (NM_001276504.2); c.*86dup (NM_001276506.2); short protein forms A91fs, H82fs, A130fs.
Identifiers: ClinVar variation 428937 (VCV000428937.10), dbSNP rs1131691063, ClinGen allele CA645369586.